The following is an entry in ClinVar:

ClinVar aggregate classification (germline): Uncertain significance. Review status: criteria provided, multiple submitters, no conflicts (2 of 4 stars). 2 submissions from 2 submitters: Uncertain significance (2). Last evaluated 2024-05-17.

Conditions:
Autosomal recessive inherited pseudoxanthoma elasticum (PXE). Identifiers: Orphanet 758, MedGen CN032334, MONDO:0009925, OMIM 264800.
Pseudoxanthoma elasticum, forme fruste. Also called: Pseudoxanthoma Elasticum, Incomplete; PSEUDOXANTHOMA ELASTICUM, HETEROZYGOUS. Identifiers: Orphanet 758, MedGen C1867450, MONDO:0008333, OMIM 177850.
Arterial calcification, generalized, of infancy, 2. Identifiers: Orphanet 51608, MedGen C3276161, MONDO:0013768, OMIM 614473.

Allele frequency attached by ClinVar (database versions not stated): TOPMed 0.00001; gnomAD exomes below 0.00001; gnomAD 0.00001.
gnomAD v4.1: 7 of 1,613,762 alleles (0.00043%); highest among the groups gnomAD compares: East Asian, 0.0022%; no homozygotes.

Submissions (2):

Fulgent Genetics
Classification: Uncertain significance for Pseudoxanthoma elasticum, forme fruste; Autosomal recessive inherited pseudoxanthoma elasticum; Arterial calcification, generalized, of infancy, 2. Last evaluated: 2024-05-17. Review status: criteria provided, single submitter. Criteria: ACMG Guidelines, 2015. Collection method: clinical testing. Allele origin: germline.

Labcorp Genetics (formerly Invitae), Labcorp
Classification: Uncertain significance. Last evaluated: 2022-05-28. Review status: criteria provided, single submitter. Criteria: Invitae Variant Classification Sherloc (09022015). Collection method: clinical testing. Allele origin: germline.
Comment: This sequence change replaces glutamine, which is neutral and polar, with arginine, which is basic and polar, at codon 803 of the ABCC6 protein (p.Gln803Arg). This variant is present in population databases (no rsID available, gnomAD 0.002%). This variant has not been reported in the literature in individuals affected with ABCC6-related conditions. ClinVar contains an entry for this variant (Variation ID: 1401979). Advanced modeling of protein sequence and biophysical properties (such as structural, functional, and spatial information, amino acid conservation, physicochemical variation, residue mobility, and thermodynamic stability) performed at Invitae indicates that this missense variant is not expected to disrupt ABCC6 protein function. In summary, the available evidence is currently insufficient to determine the role of this variant in disease. Therefore, it has been classified as a Variant of Uncertain Significance.

NM_001171.6(ABCC6):c.2408A>G (p.Gln803Arg)

Gene: ABCC6 (ATP binding cassette subfamily C member 6; minus strand). Cytogenetic location: 16p13.11.
Variant type: single nucleotide variant.
Coding change: c.2408A>G on transcript NM_001171.6 (MANE Select); coding-DNA position 2408, A replaced by G.
Protein change: p.Gln803Arg; replaces glutamine 803 with arginine.
Molecular consequence: missense variant. On other transcripts: non-coding transcript variant (1).
Genome position (GRCh38, 1-based): chr16:16,178,805, T>C on the plus strand (A>G on the coding strand, the complement: ABCC6 is on the minus strand). VCF-style: chr16-16178805-T-C. GRCh37 (hg19) VCF-style: chr16-16272662-T-C.
Other names: c.2066A>G, p.Gln689Arg (NM_001351800.1); short protein forms Q689R, Q803R.
Identifiers: ClinVar variation 1401979 (VCV001401979.4), dbSNP rs933105824, ClinGen allele CA278645196.